The following is an entry in ClinVar:

NM_001382391.1(CSPP1):c.3109+18C>T

Genes: ARFGEF1 (ARF guanine nucleotide exchange factor 1; minus strand), CSPP1 (centrosome and spindle pole associated protein 1; plus strand). Cytogenetic location: 8q13.2.
Variant type: single nucleotide variant.
Coding change: c.3109+18C>T on transcript NM_001382391.1 (MANE Select); 18 bases into the intron after coding-DNA position 3109, C replaced by T.
Molecular consequence: intron variant. On other transcripts: 3 prime UTR variant (2).
Genome position (GRCh38, 1-based): chr8:67,175,454, C>T. VCF-style: chr8-67175454-C-T. GRCh37 (hg19) VCF-style: chr8-68087689-C-T.
Other names: c.*101G>A (NM_001413186.1, NM_001413187.1); c.2914+18C>T (NM_001363132.2); c.3028+18C>T (NM_001363131.2); c.2833+18C>T (NM_001363133.2); c.3175+18C>T (NM_001364869.1); c.3094+18C>T (NM_024790.7, NM_001438331.1); c.2941+18C>T (NM_001438330.1); c.2995+18C>T (NM_001364870.1); and 2 more.
Identifiers: ClinVar variation 507370 (VCV000507370.9), dbSNP rs139599638, ClinGen allele CA4771029.

ClinVar aggregate classification (germline): Benign/Likely benign. Review status: criteria provided, multiple submitters, no conflicts (2 of 4 stars). 3 submissions from 3 submitters: Benign (1); Likely benign (2). Last evaluated 2025-12-22.

Conditions:
Joubert syndrome 21 (JBTS21). Identifiers: MedGen C3810212, MONDO:0014288, OMIM 615636.

Allele frequency attached by ClinVar (database versions not stated): gnomAD exomes 0.00053 and 0.00020; gnomAD 0.00229 and 0.00242; ExAC 0.00070; 1000 Genomes Project 0.00140; ESP Exome Variant Server 0.00255; 1000 Genomes Project 30x 0.00141; TOPMed 0.00244.
gnomAD v4.1: 649 of 1,613,730 alleles (0.04%); highest among the groups gnomAD compares: African/African-American, 0.81%; 2 homozygotes.

Submissions (3):

Labcorp Genetics (formerly Invitae), Labcorp
Classification: Benign for Joubert syndrome 21. Last evaluated: 2025-12-22. Review status: criteria provided, single submitter. Criteria: Invitae Variant Classification Sherloc (09022015). Collection method: clinical testing. Allele origin: germline.

Blueprint Genetics
Classification: Likely benign. Last evaluated: 2024-09-24. Review status: criteria provided, single submitter. Criteria: ACMG Guidelines, 2015. Collection method: clinical testing. Allele origin: germline.

GeneDx
Classification: Likely benign. Last evaluated: 2017-02-16. Review status: criteria provided, single submitter. Criteria: GeneDx Variant Classification (06012015). Collection method: clinical testing. Allele origin: germline. Affected: yes.
Comment: This variant is considered likely benign or benign based on one or more of the following criteria: it is a conservative change, it occurs at a poorly conserved position in the protein, it is predicted to be benign by multiple in silico algorithms, and/or has population frequency not consistent with disease.